The following is an entry in ClinVar:

NM_000642.3(AGL):c.2607A>G (p.Gln869=)

Gene: AGL (amylo-alpha-1,6-glucosidase and 4-alpha-glucanotransferase; plus strand). Cytogenetic location: 1p21.2.
Variant type: single nucleotide variant.
Coding change: c.2607A>G on transcript NM_000642.3 (MANE Select); coding-DNA position 2607, A replaced by G.
Protein change: p.Gln869=; no amino-acid change (glutamine 869 retained).
Molecular consequence: synonymous variant.
Genome position (GRCh38, 1-based): chr1:99,884,629, A>G. VCF-style: chr1-99884629-A-G. GRCh37 (hg19) VCF-style: chr1-100350185-A-G.
Other names: c.2607A>G, p.Gln869= (NM_000028.3, NM_000643.3, NM_000644.3 and 2 more transcripts); c.2559A>G, p.Gln853= (NM_000646.3); c.2406A>G, p.Gln802= (NM_001425327.1); c.2403A>G, p.Gln801= (NM_001425328.1); c.2229A>G, p.Gln743= (NM_001425332.1).
Identifiers: ClinVar variation 284410 (VCV000284410.39), dbSNP rs747817359, ClinGen allele CA966839.

ClinVar aggregate classification (germline): Conflicting classifications of pathogenicity. Review status: criteria provided, conflicting classifications (1 of 4 stars). 6 submissions from 6 submitters: Uncertain significance (2); Likely benign (3). 1 of the submissions does not count toward it. Last evaluated 2026-01-27.

Conditions:
AGL-related disorder. Also called: AGL-related condition.
Glycogen storage disease type III (GSD3). Also called: Cori disease; FORBES DISEASE. Identifiers: Orphanet 366, MedGen C0017922, MONDO:0009291, OMIM 232400.

Allele frequency attached by ClinVar (database versions not stated): gnomAD 0.00007 and 0.00006; gnomAD exomes 0.00007 and 0.00018; ExAC 0.00005; TOPMed 0.00006.
gnomAD v4.1: 279 of 1,613,842 alleles (0.017%); highest among the groups gnomAD compares: Non-Finnish European, 0.022%; no homozygotes.

Submissions (6):

Labcorp Genetics (formerly Invitae), Labcorp
Classification: Likely benign for Glycogen storage disease type III. Last evaluated: 2026-01-27. Review status: criteria provided, single submitter. Criteria: Invitae Variant Classification Sherloc (09022015). Collection method: clinical testing. Allele origin: germline.

PreventionGenetics, part of Exact Sciences
Classification: Likely benign for AGL-related condition. Last evaluated: 2025-12-16. Review status: criteria provided, single submitter. Criteria: ACMG Guidelines, 2015. Collection method: clinical testing. Allele origin: germline.
Comment: This variant is classified as likely benign based on ACMG/AMP sequence variant interpretation guidelines (Richards et al. 2015 PMID: 25741868, with internal and published modifications).

CeGaT Center for Human Genetics Tuebingen
Classification: Likely benign. Last evaluated: 2023-12-01. Review status: criteria provided, single submitter. Criteria: CeGaT Center For Human Genetics Tuebingen Variant Classification Criteria Version 2. Collection method: clinical testing. Allele origin: germline. Affected: yes. Observed: 1 variant allele.
Comment: AGL: BP4, BP7

Genome-Nilou Lab
Classification: Uncertain significance for Glycogen storage disease type III. Last evaluated: 2021-07-15. Review status: criteria provided, single submitter. Criteria: ACMG Guidelines, 2015. Collection method: clinical testing. Allele origin: germline. Affected: no.

Eurofins Ntd Llc (ga)
Classification: Uncertain significance. Last evaluated: 2015-11-19. Review status: criteria provided, single submitter. Criteria: EGL Classification Definitions 2015. Collection method: clinical testing. Allele origin: germline. Observed: 1 variant allele, 1 heterozygote.

Natera, Inc.
Classification: Uncertain significance for Glycogen storage disease type III. Last evaluated: 2019-10-28. Review status: no assertion criteria provided. Collection method: clinical testing. Allele origin: germline. Not counted in ClinVar's aggregate classification.